The following is an entry in ClinVar:

NM_000264.5(PTCH1):c.501_502dup (p.Asn168fs)

Gene: PTCH1 (patched 1; minus strand). Cytogenetic location: 9q22.32.
Variant type: Duplication.
Coding change: c.501_502dup on transcript NM_000264.5 (MANE Select); coding-DNA positions 501 to 502, 2 bases duplicated (TA; older notation c.501_502dupTA).
Protein change: p.Asn168fs; shifts the reading frame from asparagine 168.
Molecular consequence: frameshift variant. On other transcripts: non-coding transcript variant (1).
Genome position (GRCh38, 1-based): chr9:95,485,767-95,485,768, TA duplicated on the plus strand (TA on the coding strand, the reverse complement: PTCH1 is on the minus strand). VCF-style (leftmost placement, unchanged base first): chr9-95485766-T-TTA. GRCh37 (hg19) VCF-style: chr9-98248048-T-TTA.
Other names: c.303_304dup, p.Asn102fs (NM_001083602.3, NM_001354919.2); c.498_499dup, p.Asn167fs (NM_001083603.3); c.48_49dup, p.Asn17fs (NM_001083604.3, NM_001083605.3, NM_001083606.3 and 1 more transcripts); c.501_502dup, p.Asn168fs (NM_001354918.2); short protein forms N102fs, N167fs, N168fs, N17fs.
Identifiers: ClinVar variation 1075318 (VCV001075318.7), dbSNP rs2118543334, ClinGen allele CA2499220088.

ClinVar aggregate classification (germline): Pathogenic (1 of 4 stars; one submission).

Conditions:
Gorlin syndrome. Also called: Basal cell nevus syndrome; Nevoid Basal Cell Carcinoma Syndrome. Identifiers: Orphanet 377, MedGen C0004779, MONDO:0007187.

Submission:

Labcorp Genetics (formerly Invitae), Labcorp
Classification: Pathogenic for Gorlin syndrome. Last evaluated: 2020-06-13. Review status: criteria provided, single submitter. Criteria: Invitae Variant Classification Sherloc (09022015). Collection method: clinical testing. Allele origin: germline.
Comment: For these reasons, this variant has been classified as Pathogenic. Loss-of-function variants in PTCH1 are known to be pathogenic (PMID: 16301862, 16419085). This variant has not been reported in the literature in individuals with PTCH1-related conditions. This variant is not present in population databases (ExAC no frequency). This sequence change creates a premature translational stop signal (p.Asn168Ilefs*4) in the PTCH1 gene. It is expected to result in an absent or disrupted protein product.

Literature cited by the submitters: PubMed 16301862; PubMed 16419085.